The following is an entry in ClinVar:

ClinVar aggregate classification (germline): Conflicting classifications of pathogenicity. Review status: criteria provided, conflicting classifications (1 of 4 stars). 5 submissions from 4 submitters: Uncertain significance (2); Likely benign (2). 1 of the submissions does not count toward it. Last evaluated 2025-11-24.

Conditions:
Hereditary cancer-predisposing syndrome. Also called: Hereditary Cancer Syndrome; Neoplastic Syndromes, Hereditary; Tumor predisposition; Hereditary neoplastic syndrome. Identifiers: Orphanet 140162, MedGen C0027672, MeSH D009386, MONDO:0015356.
Cardiovascular phenotype. Identifiers: MedGen CN230736.
Neurofibromatosis, type 1 (NF1). Also called: NEUROFIBROMATOSIS, TYPE I, SOMATIC; VON RECKLINGHAUSEN DISEASE; Peripheral type neurofibromatosis; Neurofibromatosis, type I. Identifiers: Orphanet 636, MedGen C0027831, MONDO:0018975, OMIM 162200. Disease mechanism: loss of function.

Allele frequency attached by ClinVar (database versions not stated): ExAC 0.00003; TOPMed below 0.00001; gnomAD exomes 0.00001 and 0.00002.
gnomAD v4.1: 6 of 1,613,654 alleles (0.00037%); highest among the groups gnomAD compares: Admixed American, 0.01%; no homozygotes.

Submissions (5):

Labcorp Genetics (formerly Invitae), Labcorp
Classification: Likely benign for Neurofibromatosis, type 1. Last evaluated: 2025-11-24. Review status: criteria provided, single submitter. Criteria: Invitae Variant Classification Sherloc (09022015). Collection method: clinical testing. Allele origin: germline.

Ambry Genetics
Classification: Likely benign for Cardiovascular phenotype; Hereditary cancer-predisposing syndrome. Last evaluated: 2022-11-30. Review status: criteria provided, single submitter. Criteria: Ambry Variant Classification Scheme 2023. Collection method: clinical testing. Allele origin: germline.

Genome-Nilou Lab
Classification: Uncertain significance for Neurofibromatosis, type 1. Last evaluated: 2022-03-15. Review status: criteria provided, single submitter. Criteria: ACMG Guidelines, 2015. Collection method: clinical testing. Allele origin: germline. Affected: no.

Ambry Genetics
Classification: Uncertain significance for Hereditary cancer-predisposing syndrome. Last evaluated: 2015-11-18. Review status: criteria provided, single submitter. Criteria: Ambry Autosomal Dominant and X-Linked criteria (10/2015). Collection method: clinical testing. Allele origin: germline. Observed: 1 variant allele.
Comment: The p.E540D variant (also known as c.1620G>T), located in coding exon 14 of the NF1 gene, results from a G to T substitution at nucleotide position 1620. The glutamic acid at codon 540 is replaced by aspartic acid, an amino acid with highly similar properties. This variant was not reported in population based cohorts in the following databases: Database of Single Nucleotide Polymorphisms (dbSNP), NHLBI Exome Sequencing Project (ESP), and 1000 Genomes Project. In the ESP, this variant was not observed in 6503 samples (13006 alleles) with coverage at this position.<span style="background-color:initial">To date, this alteration has been detected with an allele frequency of approximately 0.002% (greater than 110000alleles tested) in our clinical cohort.<span style="background-color:initial"><span style="background-color:initial">This amino acid position is well conserved in available vertebrate species. In addition, this alteration is predicted to be tolerated by in silico analysis. <span style="background-color:initial">Since supporting evidence is limited at this time, the clinical significance of<span style="background-color:initial">p.E540D<span style="background-color:initial">remains unclear.

Institute for Biomarker Research, Medical Diagnostic Laboratories, L.L.C.
Classification: Uncertain significance for Hereditary cancer-predisposing syndrome. Last evaluated: 2021-09-27. Review status: no assertion criteria provided. Collection method: clinical testing. Allele origin: germline. Not counted in ClinVar's aggregate classification.

NM_001042492.3(NF1):c.1620G>T (p.Glu540Asp)

Gene: NF1 (neurofibromin 1; plus strand). Cytogenetic location: 17q11.2.
Variant type: single nucleotide variant.
Coding change: c.1620G>T on transcript NM_001042492.3 (MANE Select); coding-DNA position 1620, G replaced by T.
Protein change: p.Glu540Asp; replaces glutamic acid 540 with aspartic acid.
Molecular consequence: missense variant.
Genome position (GRCh38, 1-based): chr17:31,219,097, G>T. VCF-style: chr17-31219097-G-T. GRCh37 (hg19) VCF-style: chr17-29546115-G-T.
Other names: c.1620G>T, p.Glu540Asp (NM_000267.4, NM_001128147.3); short protein forms E540D.
Identifiers: ClinVar variation 186553 (VCV000186553.14), dbSNP rs766748586, ClinGen allele CA195153.